The following is an entry in ClinVar:

NM_000038.6(APC):c.7767A>G (p.Glu2589=)

Gene: APC (APC regulator of Wnt signaling pathway; plus strand). Cytogenetic location: 5q22.2.
Variant type: single nucleotide variant.
Coding change: c.7767A>G on transcript NM_000038.6 (MANE Select); coding-DNA position 7767, A replaced by G.
Protein change: p.Glu2589=; no amino-acid change (glutamic acid 2589 retained).
Molecular consequence: synonymous variant. On other transcripts: non-coding transcript variant (2).
Genome position (GRCh38, 1-based): chr5:112,843,361, A>G. VCF-style: chr5-112843361-A-G. GRCh37 (hg19) VCF-style: chr5-112179058-A-G.
Other names: c.7767A>G, p.Glu2589= (NM_001127510.3, NM_001354895.2, NM_001407450.1); c.7713A>G, p.Glu2571= (NM_001127511.3); c.7821A>G, p.Glu2607= (NM_001354896.2, NM_001407447.1, NM_001407448.1 and 1 more transcripts); c.7797A>G, p.Glu2599= (NM_001354897.2); c.7692A>G, p.Glu2564= (NM_001354898.2); c.7683A>G, p.Glu2561= (NM_001354899.2); c.7644A>G, p.Glu2548= (NM_001354900.2); c.7590A>G, p.Glu2530= (NM_001354901.2, NM_001407453.1); and 12 more.
Identifiers: ClinVar variation 2746531 (VCV002746531.5), dbSNP rs1391922278, ClinGen allele CA446211208.

ClinVar aggregate classification (germline): Benign/Likely benign. Review status: criteria provided, multiple submitters, no conflicts (2 of 4 stars). 3 submissions from 3 submitters: Benign (1); Likely benign (2). Last evaluated 2024-04-10.

Conditions:
Familial adenomatous polyposis 1 (FAP1). Also called: FAMILIAL ADENOMATOUS POLYPOSIS 1, ATTENUATED; POLYPOSIS, ADENOMATOUS INTESTINAL. Identifiers: MedGen C2713442, MONDO:0021056, OMIM 175100. Disease mechanism: loss of function.
Hereditary cancer-predisposing syndrome. Also called: Hereditary Cancer Syndrome; Neoplastic Syndromes, Hereditary; Tumor predisposition; Hereditary neoplastic syndrome. Identifiers: Orphanet 140162, MedGen C0027672, MeSH D009386, MONDO:0015356.

Allele frequency attached by ClinVar (database versions not stated): gnomAD exomes below 0.00001.
gnomAD v4.1: 2 of 1,614,004 alleles (0.00012%); highest among the groups gnomAD compares: Non-Finnish European, 0.00017%; no homozygotes.

Submissions (3):

Myriad Genetics, Inc.
Classification: Benign for Familial adenomatous polyposis 1. Last evaluated: 2024-04-10. Review status: criteria provided, single submitter. Criteria: Myriad Autosomal Dominant, Autosomal Recessive and X-Linked Classification Criteria (2023). Collection method: clinical testing. Allele origin: unknown.
Comment: This variant is considered benign. This variant is a silent/synonymous amino acid change and it is not expected to impact splicing.

Ambry Genetics
Classification: Likely benign for Hereditary cancer-predisposing syndrome. Last evaluated: 2023-11-22. Review status: criteria provided, single submitter. Criteria: Ambry Variant Classification Scheme 2023. Collection method: clinical testing. Allele origin: germline.

Labcorp Genetics (formerly Invitae), Labcorp
Classification: Likely benign for Familial adenomatous polyposis 1. Last evaluated: 2023-06-09. Review status: criteria provided, single submitter. Criteria: Invitae Variant Classification Sherloc (09022015). Collection method: clinical testing. Allele origin: germline.